The following is an entry in ClinVar:

NM_207037.2(TCF12):c.1832G>A (p.Arg611His)

Gene: TCF12 (transcription factor 12; plus strand). Cytogenetic location: 15q21.3.
Variant type: single nucleotide variant.
Coding change: c.1832G>A on transcript NM_207037.2 (MANE Select); coding-DNA position 1832, G replaced by A.
Protein change: p.Arg611His; replaces arginine 611 with histidine.
Molecular consequence: missense variant.
Genome position (GRCh38, 1-based): chr15:57,273,116, G>A. VCF-style: chr15-57273116-G-A. GRCh37 (hg19) VCF-style: chr15-57565314-G-A.
Other names: c.1832G>A (NM_207036.1); c.1322G>A, p.Arg441His (NM_001306219.3); c.1052G>A, p.Arg351His (NM_001306220.3); c.1832G>A, p.Arg611His (NM_001322151.2, NM_001322159.3, NM_001322162.2 and 1 more transcripts); c.1829G>A, p.Arg610His (NM_001322152.2, NM_001322161.2); c.1175G>A, p.Arg392His (NM_001322154.2); c.1658G>A, p.Arg553His (NM_001322156.2); c.1760G>A, p.Arg587His (NM_001322157.3, NM_001322165.2, NM_003205.4 and 1 more transcripts); and 3 more; short protein forms R351H, R392H, R417H, R441H, R529H, R553H, R587H, R599H.
Identifiers: ClinVar variation 3367160 (VCV003367160.3).
Genomic context (GRCh38, chr15:57,273,116, plus strand): 5'-ACCCTGAACAGAAGATAGAAAGGGAGAAGGAGAGGCGGATGGCTAACAATGCCAGAGAAC[G>A]CTTACGCGTGCGGGATATTAATGAAGCATTCAAAGAGCTTGGCCGAATGTGTCAGCTTCA-3'
Protein context (NP_996920.1, residues 601-621): ERRMANNARE[Arg611His]LRVRDINEAF

ClinVar aggregate classification (germline): Conflicting classifications of pathogenicity. Review status: criteria provided, conflicting classifications (1 of 4 stars). 2 submissions from 2 submitters: Likely pathogenic (1); Uncertain significance (1). Last evaluated 2026-03-30.

Conditions:
TCF12-related disorder. Also called: TCF12-related condition.
TCF12-related craniosynostosis. Also called: Craniosynostosis 3. Identifiers: Orphanet 35098, Orphanet 35099, Orphanet 672979, MedGen C3715051, MONDO:0014128, OMIM 615314.

Submissions (2):

PreventionGenetics, part of Exact Sciences
Classification: Uncertain significance for TCF12-related condition. Last evaluated: 2026-03-30. Review status: criteria provided, single submitter. Criteria: ACMG Guidelines, 2015. Collection method: clinical testing. Allele origin: germline.
Comment: The TCF12 c.1832G>A variant is predicted to result in the amino acid substitution p.Arg611His. In ClinVar, this variant has been reported as de novo in an individual with developmental dysphasia, dyslalia, autistic features, mild intellectual disability, ADHD, and abnormal facial shape (Variation ID: 3367160). This variant has not been reported in a large population database (gnomAD), indicating this variant is rare. Although we suspect that this variant may be pathogenic, at this time, the clinical significance of this variant is uncertain due to the absence of conclusive functional and genetic evidence.

Molecular Genetics Laboratory, Motol Hospital
Classification: Likely pathogenic for TCF12-related craniosynostosis. Last evaluated: 2024-10-24. Review status: criteria provided, single submitter. Criteria: ACMG Guidelines, 2015. Collection method: clinical testing. Allele origin: de novo. Affected: yes. Observed: 1 variant allele.
Comment: This variant was found to be of a de novo origin. De novo missense variations in the bHLH domain are well documented in the pathogenesis of craniosynostosis with variable neurodevelopmental abnormalities (PMID:24736737;25271085;29168297;23354436). To conclude, the variant is classified as likely pathogenic (ACMG PS2, PM2, PP3).

Literature cited by the submitters: PubMed 24736737 (cited by Molecular Genetics Laboratory, Motol Hospital); PubMed 25271085 (cited by Molecular Genetics Laboratory, Motol Hospital); PubMed 29168297 (cited by Molecular Genetics Laboratory, Motol Hospital); PubMed 23354436 (cited by Molecular Genetics Laboratory, Motol Hospital).